The following is an entry in ClinVar:

ClinVar aggregate classification (germline): Uncertain significance (1 of 4 stars; one submission).

Submission:

Labcorp Genetics (formerly Invitae), Labcorp
Classification: Uncertain significance. Last evaluated: 2025-04-12. Review status: criteria provided, single submitter. Criteria: Invitae Variant Classification Sherloc (09022015). Collection method: clinical testing. Allele origin: germline.
Comment: This sequence change replaces histidine, which is basic and polar, with arginine, which is basic and polar, at codon 592 of the KL protein (p.His592Arg). This variant is not present in population databases (gnomAD no frequency). This variant has not been reported in the literature in individuals affected with KL-related conditions. Invitae Evidence Modeling of protein sequence and biophysical properties (such as structural, functional, and spatial information, amino acid conservation, physicochemical variation, residue mobility, and thermodynamic stability) has been performed for this missense variant. However, the output from this modeling did not meet the statistical confidence thresholds required to predict the impact of this variant on KL protein function. In summary, the available evidence is currently insufficient to determine the role of this variant in disease. Therefore, it has been classified as a Variant of Uncertain Significance.

NM_004795.4(KL):c.1775A>G (p.His592Arg)

Gene: KL (klotho; plus strand). Cytogenetic location: 13q13.1.
Variant type: single nucleotide variant.
Coding change: c.1775A>G on transcript NM_004795.4 (MANE Select); coding-DNA position 1775, A replaced by G.
Protein change: p.His592Arg; replaces histidine 592 with arginine.
Molecular consequence: missense variant.
Genome position (GRCh38, 1-based): chr13:33,060,854, A>G. VCF-style: chr13-33060854-A-G. GRCh37 (hg19) VCF-style: chr13-33634991-A-G.
Other names: short protein forms H592R.
Identifiers: ClinVar variation 4741788 (VCV004741788.1).
Genomic context (GRCh38, chr13:33,060,854, plus strand): 5'-GTGTTGACTTTGCTGCCATCCAGCCCCAGATCGCTTTACTCCAGGAAATGCACGTTACAC[A>G]TTTTCGCTTCTCCCTGGACTGGGCCCTGATTCTCCCTCTGGGTAACCAGTCCCAGGTGAA-3'
Protein context (NP_004786.2, residues 582-602): IALLQEMHVT[His592Arg]FRFSLDWALI